The following is an entry in ClinVar:

NM_001005242.3(PKP2):c.1863G>A (p.Pro621=)

Gene: PKP2 (plakophilin 2; minus strand). Cytogenetic location: 12p11.21.
Variant type: single nucleotide variant.
Coding change: c.1863G>A on transcript NM_001005242.3 (MANE Select); coding-DNA position 1863, G replaced by A.
Protein change: p.Pro621=; no amino-acid change (proline 621 retained).
Molecular consequence: synonymous variant.
Genome position (GRCh38, 1-based): chr12:32,821,506, C>T on the plus strand (G>A on the coding strand, the complement: PKP2 is on the minus strand). VCF-style: chr12-32821506-C-T. GRCh37 (hg19) VCF-style: chr12-32974440-C-T.
Other names: c.1995G>A, p.Pro665= (NM_004572.4).
Identifiers: ClinVar variation 45053 (VCV000045053.26), dbSNP rs146144731, ClinGen allele CA011608.

ClinVar aggregate classification (germline): Benign/Likely benign. Review status: criteria provided, multiple submitters, no conflicts (2 of 4 stars). 8 submissions from 8 submitters: Benign (1); Likely benign (6). 1 of the submissions does not count toward it. Last evaluated 2026-01-27.

Conditions:
PKP2-related disorder. Also called: PKP2-related condition.
Cardiovascular phenotype. Identifiers: MedGen CN230736.
Cardiomyopathy (CMYO). Also called: Cardiomyopathies. Identifiers: Orphanet 167848, MedGen C0878544, MONDO:0004994, HP:0001638. Inheritance: Various modes of inheritance.
Arrhythmogenic right ventricular cardiomyopathy (ARVD). Also called: Cardiomyopathy, ARVC; Arrhythmogenic Right Ventricular Cardiomyopathy (ARVC); Arrhythmogenic right ventricular dysplasia; Arrhythmogenic cardiomyopathy. Identifiers: Orphanet 247, MedGen C0349788, MeSH D019571, MONDO:0016587. Disease mechanism: loss of function. Inheritance: Various modes of inheritance.
Arrhythmogenic right ventricular dysplasia 9 (ARVD9). Also called: Arrhythmogenic Right Ventricular Dysplasia/Cardiomyopathy 9; ARRHYTHMOGENIC RIGHT VENTRICULAR DYSPLASIA, FAMILIAL, 9. Identifiers: MedGen C1836906, MONDO:0012180, OMIM 609040.

Allele frequency attached by ClinVar (database versions not stated): gnomAD exomes 0.00004 and 0.00013; ExAC 0.00018; TOPMed 0.00023; gnomAD 0.00030; ESP Exome Variant Server 0.00062; 1000 Genomes Project 30x 0.00078; 1000 Genomes Project 0.00080.
gnomAD v4.1: 98 of 1,613,960 alleles (0.0061%); highest among the groups gnomAD compares: African/African-American, 0.077%; 1 homozygote.

Submissions (8):

Labcorp Genetics (formerly Invitae), Labcorp
Classification: Benign for Arrhythmogenic right ventricular dysplasia 9. Last evaluated: 2026-01-27. Review status: criteria provided, single submitter. Criteria: Invitae Variant Classification Sherloc (09022015). Collection method: clinical testing. Allele origin: germline.

Ambry Genetics
Classification: Likely benign for Cardiovascular phenotype. Last evaluated: 2024-07-22. Review status: criteria provided, single submitter. Criteria: Ambry Variant Classification Scheme 2023. Collection method: clinical testing. Allele origin: germline.

All of Us Research Program, National Institutes of Health
Classification: Likely benign for Arrhythmogenic right ventricular cardiomyopathy. Last evaluated: 2023-12-13. Review status: criteria provided, single submitter. Criteria: ACMG Guidelines, 2015. Collection method: clinical testing. Allele origin: germline. Inheritance: Autosomal dominant inheritance. Observed: 24 variant alleles, 24 heterozygotes.
Comment: This study involves interpretation of variants in research participants for the purpose of population health screening. Participant phenotype was not available at the time of variant classification. Additional details can be found in publication PMID: 35346344, PMCID: PMC8962531

Blueprint Genetics
Classification: Likely benign. Last evaluated: 2023-12-08. Review status: criteria provided, single submitter. Criteria: ACMG Guidelines, 2015. Collection method: clinical testing. Allele origin: germline.

GeneDx
Classification: Likely benign. Last evaluated: 2020-01-20. Review status: criteria provided, single submitter. Criteria: GeneDx Variant Classification Process June 2021. Collection method: clinical testing. Allele origin: germline. Affected: yes.

Color Diagnostics, LLC DBA Color Health
Classification: Likely benign for Cardiomyopathy. Last evaluated: 2018-09-28. Review status: criteria provided, single submitter. Criteria: ACMG Guidelines, 2015. Collection method: clinical testing. Allele origin: germline.

Laboratory for Molecular Medicine, Mass General Brigham Personalized Medicine
Classification: Likely benign. Last evaluated: 2010-07-23. Review status: criteria provided, single submitter. Criteria: LMM Criteria. Collection method: clinical testing. Allele origin: germline. Observed: 1 variant allele.

PreventionGenetics, part of Exact Sciences
Classification: Likely benign for PKP2-related condition. Last evaluated: 2023-06-19. Review status: no assertion criteria provided. Collection method: clinical testing. Allele origin: germline. Not counted in ClinVar's aggregate classification.
Comment: This variant is classified as likely benign based on ACMG/AMP sequence variant interpretation guidelines (Richards et al. 2015 PMID: 25741868, with internal and published modifications).

Literature cited by the submitters: PubMed 17041889 (cited by Laboratory for Molecular Medicine, Mass General Brigham Personalized Medicine).